The following is an entry in ClinVar:

ClinVar aggregate classification (germline): Uncertain significance. Review status: criteria provided, multiple submitters, no conflicts (2 of 4 stars). 4 submissions from 4 submitters: Uncertain significance (3). 1 of the submissions does not count toward it. Last evaluated 2025-01-16.

Conditions:
PCNT-related disorder. Also called: PCNT-related condition.
Inborn genetic diseases. Identifiers: MedGen C0950123, MeSH D030342.

Allele frequency attached by ClinVar (database versions not stated): ExAC 0.00002; gnomAD exomes 0.00002 and 0.00004; gnomAD 0.00003 and 0.00004; TOPMed 0.00003.
gnomAD v4.1: 42 of 1,613,840 alleles (0.0026%); highest among the groups gnomAD compares: Admixed American, 0.0083%; no homozygotes.

Submissions (4):

Ambry Genetics
Classification: Uncertain significance for Inborn genetic diseases. Last evaluated: 2025-01-16. Review status: criteria provided, single submitter. Criteria: Ambry Variant Classification Scheme 2023. Collection method: clinical testing. Allele origin: germline.

Labcorp Genetics (formerly Invitae), Labcorp
Classification: Uncertain significance. Last evaluated: 2022-08-23. Review status: criteria provided, single submitter. Criteria: Invitae Variant Classification Sherloc (09022015). Collection method: clinical testing. Allele origin: germline.
Comment: This sequence change replaces arginine, which is basic and polar, with cysteine, which is neutral and slightly polar, at codon 1475 of the PCNT protein (p.Arg1475Cys). This variant is present in population databases (rs778468425, gnomAD 0.01%). This variant has not been reported in the literature in individuals affected with PCNT-related conditions. ClinVar contains an entry for this variant (Variation ID: 1336559). Algorithms developed to predict the effect of missense changes on protein structure and function (SIFT, PolyPhen-2, Align-GVGD) all suggest that this variant is likely to be disruptive. In summary, the available evidence is currently insufficient to determine the role of this variant in disease. Therefore, it has been classified as a Variant of Uncertain Significance.

Genetic Services Laboratory, University of Chicago
Classification: Uncertain significance. Last evaluated: 2018-03-06. Review status: criteria provided, single submitter. Criteria: ACMG Guidelines, 2015. Collection method: clinical testing. Allele origin: germline. Affected: no.

PreventionGenetics, part of Exact Sciences
Classification: Uncertain significance for PCNT-related condition. Last evaluated: 2023-12-08. Review status: no assertion criteria provided. Collection method: clinical testing. Allele origin: germline. Not counted in ClinVar's aggregate classification.
Comment: The PCNT c.4423C>T variant is predicted to result in the amino acid substitution p.Arg1475Cys. To our knowledge, this variant has not been reported in the literature. This variant is reported in 0.010% of alleles in individuals of East Asian descent in gnomAD. At this time, the clinical significance of this variant is uncertain due to the absence of conclusive functional and genetic evidence.

NM_006031.6(PCNT):c.4423C>T (p.Arg1475Cys)

Gene: PCNT (pericentrin; plus strand). Cytogenetic location: 21q22.3.
Variant type: single nucleotide variant.
Coding change: c.4423C>T on transcript NM_006031.6 (MANE Select); coding-DNA position 4423, C replaced by T.
Protein change: p.Arg1475Cys; replaces arginine 1475 with cysteine.
Molecular consequence: missense variant.
Genome position (GRCh38, 1-based): chr21:46,397,471, C>T. VCF-style: chr21-46397471-C-T. GRCh37 (hg19) VCF-style: chr21-47817385-C-T.
Other names: c.4069C>T, p.Arg1357Cys (NM_001315529.2); short protein forms R1357C, R1475C.
Identifiers: ClinVar variation 1336559 (VCV001336559.10), dbSNP rs778468425, ClinGen allele CA10079619.
Genomic context (GRCh38, chr21:46,397,471, plus strand): 5'-AAGCAGGCGGAGGCCGTCACTGCCCTGGAACAGCAGGTGGCATCTCTGGACAAGCATTTG[C>T]GCAACCAGCGGCAATTCATGGATGTAAGAATTCTGAATAATACATTTTTTTGCATCACTA-3'
Protein context (NP_006022.3, residues 1465-1485): QQVASLDKHL[Arg1475Cys]NQRQFMDEQA